The following is an entry in ClinVar:

NM_001382273.1(TNK2):c.2735C>T (p.Pro912Leu)

Gene: TNK2 (tyrosine kinase non receptor 2; minus strand). Cytogenetic location: 3q29.
Variant type: single nucleotide variant.
Coding change: c.2735C>T on transcript NM_001382273.1 (MANE Select); coding-DNA position 2735, C replaced by T.
Protein change: p.Pro912Leu; replaces proline 912 with leucine.
Molecular consequence: missense variant. On other transcripts: non-coding transcript variant (15).
Genome position (GRCh38, 1-based): chr3:195,867,563, G>A on the plus strand (C>T on the coding strand, the complement: TNK2 is on the minus strand). VCF-style: chr3-195867563-G-A. GRCh37 (hg19) VCF-style: chr3-195594434-G-A.
Other names: c.2690C>T, p.Pro897Leu (NM_001387713.1, NM_001387714.1, NM_001387719.1 and 8 more transcripts); c.2762C>T, p.Pro921Leu (NM_001387715.1, NM_001387708.1); c.2735C>T, p.Pro912Leu (NM_001387716.1, NM_001387717.1, NM_001387718.1 and 1 more transcripts); c.2807C>T, p.Pro936Leu (NM_001010938.2, NM_001382272.1); c.2786C>T, p.Pro929Leu (NM_001308046.2, NM_001382271.1); c.2831C>T, p.Pro944Leu (NM_001382275.1, NM_001387707.1); short protein forms P897L, P912L, P921L, P929L, P936L, P944L.
Identifiers: ClinVar variation 2042808 (VCV002042808.4), dbSNP rs200078114, ClinGen allele CA2775824.

ClinVar aggregate classification (germline): Uncertain significance (1 of 4 stars; one submission).

Allele frequency attached by ClinVar (database versions not stated): ESP Exome Variant Server 0.00083; ExAC 0.00096.
gnomAD v4.1: 762 of 1,570,668 alleles (0.049%); highest among the groups gnomAD compares: Non-Finnish European, 0.06%; 2 homozygotes.

Submission:

Labcorp Genetics (formerly Invitae), Labcorp
Classification: Uncertain significance. Last evaluated: 2024-01-07. Review status: criteria provided, single submitter. Criteria: Invitae Variant Classification Sherloc (09022015). Collection method: clinical testing. Allele origin: germline.
Comment: This sequence change replaces proline, which is neutral and non-polar, with leucine, which is neutral and non-polar, at codon 975 of the TNK2 protein (p.Pro975Leu). This variant is present in population databases (rs200078114, gnomAD 0.08%), and has an allele count higher than expected for a pathogenic variant. This variant has not been reported in the literature in individuals affected with TNK2-related conditions. ClinVar contains an entry for this variant (Variation ID: 2042808). An algorithm developed to predict the effect of missense changes on protein structure and function (PolyPhen-2) suggests that this variant is likely to be disruptive. In summary, the available evidence is currently insufficient to determine the role of this variant in disease. Therefore, it has been classified as a Variant of Uncertain Significance.